The following is an entry in ClinVar:

ClinVar aggregate classification (germline): Uncertain significance (1 of 4 stars; one submission).

Conditions:
Malignant hyperthermia, susceptibility to, 1 (MHS1). Also called: RYR1-Related Malignant Hyperthermia Susceptibility; Anesthesia related hyperthermia; Malignant hyperpyrexia; Fulminating hyperpyrexia; Pharmacogenic myopathy; Malignant hyperthermia suceptibility 1. Identifiers: Orphanet 423, MedGen C2930980, MONDO:0007783, OMIM 145600.

Allele frequency attached by ClinVar (database versions not stated): gnomAD exomes 0.00001.
gnomAD v4.1: 6 of 1,611,586 alleles (0.00037%); highest among the groups gnomAD compares: Non-Finnish European, 0.00051%; no homozygotes.

Submission:

All of Us Research Program, National Institutes of Health
Classification: Uncertain significance for Malignant hyperthermia, susceptibility to, 1. Last evaluated: 2023-05-16. Review status: criteria provided, single submitter. Criteria: ACMG Guidelines, 2015. Collection method: clinical testing. Allele origin: germline. Inheritance: Autosomal dominant inheritance. Observed: 2 variant alleles, 2 heterozygotes.
Comment: This missense variant replaces leucine with proline at codon 435 of the RYR1 protein. Computational prediction suggests that this variant may have deleterious impact on protein structure and function (internally defined REVEL score threshold >= 0.7, PMID: 27666373). To our knowledge, functional studies have not been reported for this variant. This variant has not been reported in individuals affected with RYR1-related disorders in the literature. This variant has not been identified in the general population by the Genome Aggregation Database (gnomAD). The available evidence is insufficient to determine the role of this variant in disease conclusively. Therefore, this variant is classified as a Variant of Uncertain Significance.

This study involves interpretation of variants in research participants for the purpose of population health screening. Participant phenotype was not available at the time of variant classification. Additional details can be found in publication PMID: 35346344, PMCID: PMC8962531

NM_000540.3(RYR1):c.1304T>C (p.Leu435Pro)

Gene: RYR1 (ryanodine receptor 1; plus strand). Cytogenetic location: 19q13.2.
Variant type: single nucleotide variant.
Coding change: c.1304T>C on transcript NM_000540.3 (MANE Select); coding-DNA position 1304, T replaced by C.
Protein change: p.Leu435Pro; replaces leucine 435 with proline.
Molecular consequence: missense variant.
Genome position (GRCh38, 1-based): chr19:38,452,878, T>C. VCF-style: chr19-38452878-T-C. GRCh37 (hg19) VCF-style: chr19-38943518-T-C.
Other names: c.1304T>C, p.Leu435Pro (NM_001042723.2); short protein forms L435P.
Identifiers: ClinVar variation 3070187 (VCV003070187.1), dbSNP rs2514016094, ClinGen allele CA405685595.
Genomic context (GRCh38, chr19:38,452,878, plus strand): 5'-GGAGCCTGGACAGCTTCAGCGGGAAGCCACGGGGCTCGGGGCCACCCGCTGGCACGGCGC[T>C]GCCCATCGAGGGCGTTATCCTGAGCCTGCAGGACCTCATCATCTACTTCGAGCCTCCCTC-3'
Protein context (NP_000531.2, residues 425-445): RGSGPPAGTA[Leu435Pro]PIEGVILSLQ